The following is an entry in ClinVar:

ClinVar aggregate classification (germline): Uncertain significance (1 of 4 stars; one submission).

Conditions:
Hereditary cancer-predisposing syndrome. Also called: Tumor predisposition; Hereditary neoplastic syndrome; Neoplastic Syndromes, Hereditary; Hereditary Cancer Syndrome. Identifiers: Orphanet 140162, MedGen C0027672, MeSH D009386, MONDO:0015356.

Submission:

Labcorp Genetics (formerly Invitae), Labcorp
Classification: Uncertain significance for Hereditary cancer-predisposing syndrome. Last evaluated: 2020-12-08. Review status: criteria provided, single submitter. Criteria: Invitae Variant Classification Sherloc (09022015). Collection method: clinical testing. Allele origin: germline.
Comment: This sequence change replaces alanine with threonine at codon 512 of the RAD50 protein (p.Ala512Thr). The alanine residue is moderately conserved and there is a small physicochemical difference between alanine and threonine. This variant is not present in population databases (ExAC no frequency). This variant has not been reported in the literature in individuals with RAD50-related conditions. Algorithms developed to predict the effect of missense changes on protein structure and function output the following: SIFT: "Tolerated"; PolyPhen-2: "Benign"; Align-GVGD: "Class C0". The threonine amino acid residue is found in multiple mammalian species, suggesting that this missense change does not adversely affect protein function. These predictions have not been confirmed by published functional studies and their clinical significance is uncertain. In summary, the available evidence is currently insufficient to determine the role of this variant in disease. Therefore, it has been classified as a Variant of Uncertain Significance.

NM_005732.4(RAD50):c.1534G>A (p.Ala512Thr)

Gene: RAD50 (RAD50 double strand break repair protein; plus strand). Cytogenetic location: 5q31.1.
Variant type: single nucleotide variant.
Coding change: c.1534G>A on transcript NM_005732.4 (MANE Select); coding-DNA position 1534, G replaced by A.
Protein change: p.Ala512Thr; replaces alanine 512 with threonine.
Molecular consequence: missense variant.
Genome position (GRCh38, 1-based): chr5:132,591,305, G>A. VCF-style: chr5-132591305-G-A. GRCh37 (hg19) VCF-style: chr5-131926997-G-A.
Other names: short protein forms A512T.
Identifiers: ClinVar variation 1494197 (VCV001494197.8), dbSNP rs147366706, ClinGen allele CA360945749.